The following is an entry in ClinVar:

NM_006922.4(SCN3A):c.664C>T (p.Arg222Ter)

Gene: SCN3A (sodium voltage-gated channel alpha subunit 3; minus strand). Cytogenetic location: 2q24.3.
Variant type: single nucleotide variant.
Coding change: c.664C>T on transcript NM_006922.4 (MANE Select); coding-DNA position 664, C replaced by T.
Protein change: p.Arg222Ter; replaces arginine 222 with a stop codon.
Molecular consequence: nonsense. On other transcripts: intron variant (1).
Genome position (GRCh38, 1-based): chr2:165,163,648, G>A on the plus strand (C>T on the coding strand, the complement: SCN3A is on the minus strand). VCF-style: chr2-165163648-G-A. GRCh37 (hg19) VCF-style: chr2-166020158-G-A.
Other names: c.664C>T (NM_006922.3); c.664C>T, p.Arg222Ter (NM_001081676.2); c.694+154C>T (NM_001081677.2); short protein forms R222*.
Identifiers: ClinVar variation 3001106 (VCV003001106.5), dbSNP rs1172336020, ClinGen allele CA349239526.
Genomic context (GRCh38, chr2:165,163,648, plus strand): 5'-GTCAACCTCGGTGTTTAACCTAGCTCTCACCTGGAATGACTGAAATTGTTTTCAGTGCTC[G>A]GAGAACTCTGAATGTTCTCAACGCTGAGACATTGCCCAGGTCCACAAACTCTGTCACATA-3'

ClinVar aggregate classification (germline): Uncertain significance. Review status: criteria provided, multiple submitters, no conflicts (2 of 4 stars). 2 submissions from 2 submitters: Uncertain significance (2). Last evaluated 2026-05-12.

Allele frequency attached by ClinVar (database versions not stated): gnomAD 0.00001; gnomAD exomes 0.00001; TOPMed 0.00003.
gnomAD v4.1: 5 of 1,613,848 alleles (0.00031%); highest among the groups gnomAD compares: Admixed American, 0.005%; no homozygotes.

Submissions (2):

GeneDx
Classification: Uncertain significance. Last evaluated: 2026-05-12. Review status: criteria provided, single submitter. Criteria: GeneDx Variant Classification Process June 2021. Collection method: clinical testing. Allele origin: germline.
Comment: Not observed at significant frequency in large population cohorts (gnomAD); Nonsense variant predicted to result in protein truncation or nonsense mediated decay in a gene or region of a gene for which loss of function is not a well-established mechanism of disease; Has not been previously published as pathogenic or benign to our knowledge

Labcorp Genetics (formerly Invitae), Labcorp
Classification: Uncertain significance. Last evaluated: 2024-10-16. Review status: criteria provided, single submitter. Criteria: Invitae Variant Classification Sherloc (09022015). Collection method: clinical testing. Allele origin: germline.
Comment: This sequence change creates a premature translational stop signal (p.Arg222*) in the SCN3A gene. It is expected to result in an absent or disrupted protein product. However, the current clinical and genetic evidence is not sufficient to establish whether loss-of-function variants in SCN3A cause disease. This variant is not present in population databases (gnomAD no frequency). This variant has not been reported in the literature in individuals affected with SCN3A-related conditions. Algorithms developed to predict the effect of sequence changes on RNA splicing suggest that this variant may disrupt the consensus splice site. In summary, the available evidence is currently insufficient to determine the role of this variant in disease. Therefore, it has been classified as a Variant of Uncertain Significance.